The following is an entry in ClinVar:

ClinVar aggregate classification (germline): Likely pathogenic. Review status: reviewed by expert panel (3 of 4 stars). 3 submissions from 3 submitters: Likely pathogenic (1). 2 of the submissions do not count toward it. Last evaluated 2023-08-14.

Conditions:
Maturity-onset diabetes of the young (MODY). Also called: Maturity onset diabetes mellitus in young. Identifiers: Orphanet 552, MedGen C0342276, MONDO:0018911, HP:0004904.
HNF1A-related disorders.
Monogenic diabetes. Identifiers: Orphanet 183625, MedGen C3888631, MONDO:0015967.

Submissions (3):

ClinGen Monogenic Diabetes Variant Curation Expert Panel
Classification: Likely pathogenic for Monogenic diabetes. Last evaluated: 2023-08-14. Review status: reviewed by expert panel. Criteria: ClinGen Diabetes ACMG Specifications HNF1A V2.1.0. Collection method: curation. Allele origin: germline. Inheritance: Autosomal dominant inheritance.
Comment: The c.695T>C variant in the HNF1 homeobox A gene, HNF1A, causes an amino acid change of leucine to proline at codon 232 (p.(Leu232Pro)) of NM_000545.8. This variant is predicted to be deleterious by computational evidence, with a REVEL score of 0.936, which is greater than the MDEP VCEP threshold of 0.70 (PP3). It is also located within a conserved region of the DNA binding domain (codons 107-174 and 201-280) of HNF1A, which is defined as critical for the protein’s function by the ClinGen MDEP (PM1_Supporting). Additionally, functional studies demonstrated the p.Leu232Pro protein has DNA binding and transactivation below 40% of wild type, indicating that this variant impacts protein function (PS3_Supporting, internal lab contributor). This variant is absent in gnomAD v2.1.1 (PM2_Supporting), and was identified in three unrelated individuals with non-autoimmune and non-absolute/near-absolute insulin-deficient diabetes; however, PS4_Moderate cannot be applied because this number is below the ClinGen MDEP threshold (PMID: 29875428, internal lab contributors). This variant was identified in an individual with a clinical history highly specific for HNF1A-MODY (MODY probability calculator result >50%, negative genetic testing for HNF4A, treated with low-dose sulfonylureas, and persistent C-peptide) (PP4_Moderate; internal lab contributor). This variant also segregated with diabetes/hepatic adenomas, with three informative meioses in two families (PP1_Moderate; PMID: 29875428, internal lab contributors). In summary, the c.695T>C variant meets the criteria to be classified as likely pathogenic for monogenic diabetes. ACMG/AMP criteria applied, as specified by the ClinGen MDEP (specification version 2.1.0, approved 8/11/2023): PP1_Moderate, PP3, PP4_Moderate, PM1_Supporting, PM2_Supporting, PS3_Supporting.

Blueprint Genetics
Classification: Likely pathogenic for HNF1A-related disorders. Last evaluated: 2022-05-24. Review status: criteria provided, single submitter. Criteria: ACMG Guidelines, 2015. Collection method: clinical testing. Allele origin: germline. Affected: yes. Observed: 2 variant alleles. Not counted in ClinVar's aggregate classification.

Ambry Genetics
Classification: Likely pathogenic for Maturity-onset diabetes of the young. Last evaluated: 2016-05-23. Review status: criteria provided, single submitter. Criteria: Ambry Variant Classification Scheme 2023. Collection method: clinical testing. Allele origin: germline. Not counted in ClinVar's aggregate classification.
Comment: The p.L232P variant (also known as c.695T>C), located in coding exon 3 of the HNF1A gene, results from a T to C substitution at nucleotide position 695. The leucine at codon 232 is replaced by proline, an amino acid with similar properties. This variant has been detected by our laboratory in three individuals, from one family, each with a clinical diagnosis of MODY; two of these individuals also have hepatic adenomas. Based on internal structural analysis, this variant is buried in the DNA binding domain and is anticipated to result in a significant decrease in structural stability (Chi YI et al., Mol. Cell 2002 Nov; 10(5):1129-37). This variant was not reported in population based cohorts in the following databases: Database of Single Nucleotide Polymorphisms (dbSNP), NHLBI Exome Sequencing Project (ESP), and 1000 Genomes Project. In the ESP, this variant was not observed in 6503 samples (13006 alleles) with coverage at this position. This amino acid position is highly conserved in available vertebrate species. In addition, this alteration is predicted to be deleterious by in silico analysis. Based on the majority of available evidence to date, this variant is likely to be pathogenic.

Literature cited by the submitters: PubMed 12453420 (cited by Ambry Genetics).

NM_000545.8(HNF1A):c.695T>C (p.Leu232Pro)

Gene: HNF1A (HNF1 homeobox A; plus strand). Cytogenetic location: 12q24.31.
Variant type: single nucleotide variant.
Coding change: c.695T>C on transcript NM_000545.8 (MANE Select); coding-DNA position 695, T replaced by C.
Protein change: p.Leu232Pro; replaces leucine 232 with proline.
Molecular consequence: missense variant.
Genome position (GRCh38, 1-based): chr12:120,993,688, T>C. VCF-style: chr12-120993688-T-C. GRCh37 (hg19) VCF-style: chr12-121431491-T-C.
Other names: NM_000545.8(HNF1A):c.695T>C; p.Leu232Pro; c.695T>C, p.Leu232Pro (NM_001306179.2, NM_001406915.1); short protein forms L232P.
Identifiers: ClinVar variation 1756327 (VCV001756327.4), dbSNP rs2135839880, ClinGen allele CA386965290.